The following is an entry in ClinVar:

ClinVar aggregate classification (germline): Uncertain significance. Review status: criteria provided, multiple submitters, no conflicts (2 of 4 stars). 2 submissions from 2 submitters: Uncertain significance (2). Last evaluated 2024-09-16.

Conditions:
Tumor predisposition syndrome 3 (TPDS3). Also called: Glioma susceptibility 9; LONG TELOMERE SYNDROME, POT1-RELATED; POT1 Tumor Predisposition; Melanoma, cutaneous malignant, susceptibility to, 10. Identifiers: Orphanet 618, MedGen C4014476, MONDO:0014368, OMIM 615848.
Hereditary cancer-predisposing syndrome. Also called: Neoplastic Syndromes, Hereditary; Hereditary Cancer Syndrome; Hereditary neoplastic syndrome; Tumor predisposition. Identifiers: Orphanet 140162, MedGen C0027672, MeSH D009386, MONDO:0015356.

Submissions (2):

Ambry Genetics
Classification: Uncertain significance for Hereditary cancer-predisposing syndrome. Last evaluated: 2024-09-16. Review status: criteria provided, single submitter. Criteria: Ambry Variant Classification Scheme 2023. Collection method: clinical testing. Allele origin: germline.
Comment: The p.S318F variant (also known as c.953C>T), located in coding exon 8 of the POT1 gene, results from a C to T substitution at nucleotide position 953. The serine at codon 318 is replaced by phenylalanine, an amino acid with highly dissimilar properties. This amino acid position is conserved. In addition, this alteration is predicted to be tolerated by in silico analysis. Based on the available evidence, the clinical significance of this variant remains unclear.

Labcorp Genetics (formerly Invitae), Labcorp
Classification: Uncertain significance for Tumor predisposition syndrome 3. Last evaluated: 2020-09-10. Review status: criteria provided, single submitter. Criteria: Invitae Variant Classification Sherloc (09022015). Collection method: clinical testing. Allele origin: germline.
Comment: In summary, the available evidence is currently insufficient to determine the role of this variant in disease. Therefore, it has been classified as a Variant of Uncertain Significance. Algorithms developed to predict the effect of missense changes on protein structure and function are either unavailable or do not agree on the potential impact of this missense change (SIFT: "Tolerated"; PolyPhen-2: "Possibly Damaging"; Align-GVGD: "Class C0"). This variant has not been reported in the literature in individuals with POT1-related conditions. This variant is not present in population databases (ExAC no frequency). This sequence change replaces serine with phenylalanine at codon 318 of the POT1 protein (p.Ser318Phe). The serine residue is moderately conserved and there is a large physicochemical difference between serine and phenylalanine.

NM_015450.3(POT1):c.953C>T (p.Ser318Phe)

Gene: POT1 (protection of telomeres 1; minus strand). Cytogenetic location: 7q31.33.
Variant type: single nucleotide variant.
Coding change: c.953C>T on transcript NM_015450.3 (MANE Select); coding-DNA position 953, C replaced by T.
Protein change: p.Ser318Phe; replaces serine 318 with phenylalanine.
Molecular consequence: missense variant. On other transcripts: non-coding transcript variant (3).
Genome position (GRCh38, 1-based): chr7:124,846,995, G>A on the plus strand (C>T on the coding strand, the complement: POT1 is on the minus strand). VCF-style: chr7-124846995-G-A. GRCh37 (hg19) VCF-style: chr7-124487049-G-A.
Other names: c.560C>T, p.Ser187Phe (NM_001042594.2); c.953C>T (NM_015450.2); short protein forms S187F, S318F.
Identifiers: ClinVar variation 1022564 (VCV001022564.11), dbSNP rs1795185799, ClinGen allele CA369053858.